The following is an entry in ClinVar:

NM_003072.5(SMARCA4):c.4533+10A>G

Gene: SMARCA4 (SWI/SNF related BAF chromatin remodeling complex subunit ATPase 4; plus strand). Cytogenetic location: 19p13.2.
Variant type: single nucleotide variant.
Coding change: c.4533+10A>G on transcript NM_003072.5 (MANE Select); 10 bases into the intron after coding-DNA position 4533, A replaced by G.
Molecular consequence: intron variant.
Genome position (GRCh38, 1-based): chr19:11,058,373, A>G. VCF-style: chr19-11058373-A-G. GRCh37 (hg19) VCF-style: chr19-11169049-A-G.
Other names: c.4533+10A>G (NM_001128844.3); c.4629+10A>G (NM_001128849.3, NM_001387283.1); c.4434+10A>G (NM_001128847.4, NM_001374457.1); c.4443+10A>G (NM_001128845.2); c.4440+10A>G (NM_001128846.2); c.4431+10A>G (NM_001128848.2).
Identifiers: ClinVar variation 1659463 (VCV001659463.9), dbSNP rs2076665895, ClinGen allele CA2322743793.

ClinVar aggregate classification (germline): Likely benign. Review status: criteria provided, multiple submitters, no conflicts (2 of 4 stars). 2 submissions from 2 submitters: Likely benign (2). Last evaluated 2026-07-08.

Conditions:
Rhabdoid tumor predisposition syndrome 2 (RTPS2). Identifiers: Orphanet 231108, Orphanet 69077, MedGen C2750074, MONDO:0013224, OMIM 613325.

Allele frequency attached by ClinVar (database versions not stated): gnomAD exomes below 0.00001; TOPMed below 0.00001.
gnomAD v4.1: 1 of 1,572,042 alleles (0.000064%); highest among the groups gnomAD compares: Non-Finnish European, 0.000088%; no homozygotes.

Submissions (2):

Myriad Genetics, Inc.
Classification: Likely benign for Rhabdoid tumor predisposition syndrome 2. Last evaluated: 2026-07-08. Review status: criteria provided, single submitter. Criteria: Myriad Autosomal Dominant, Autosomal Recessive and X-Linked Classification Criteria (2023). Collection method: clinical testing. Allele origin: unknown.
Comment: This variant is considered likely benign. This variant is intronic and is not expected to impact mRNA splicing.

Labcorp Genetics (formerly Invitae), Labcorp
Classification: Likely benign for Rhabdoid tumor predisposition syndrome 2. Last evaluated: 2023-10-24. Review status: criteria provided, single submitter. Criteria: Invitae Variant Classification Sherloc (09022015). Collection method: clinical testing. Allele origin: germline.